The following is an entry in ClinVar:

NM_004415.4(DSP):c.2631-3C>T

Gene: DSP (desmoplakin; plus strand). Cytogenetic location: 6p24.3.
Variant type: single nucleotide variant.
Coding change: c.2631-3C>T on transcript NM_004415.4 (MANE Select); 3 bases into the intron before coding-DNA position 2631, C replaced by T.
Molecular consequence: intron variant.
Genome position (GRCh38, 1-based): chr6:7,576,291, C>T. VCF-style: chr6-7576291-C-T. GRCh37 (hg19) VCF-style: chr6-7576524-C-T.
Other names: c.2631-3C>T (NM_001319034.2, NM_001008844.3).
Identifiers: ClinVar variation 1171784 (VCV001171784.9), dbSNP rs1041054817, ClinGen allele CA133964030.

ClinVar aggregate classification (germline): Conflicting classifications of pathogenicity. Review status: criteria provided, conflicting classifications (1 of 4 stars). 4 submissions from 4 submitters: Uncertain significance (2); Likely benign (2). Last evaluated 2024-03-19.

Conditions:
Arrhythmogenic cardiomyopathy with wooly hair and keratoderma. Also called: Dilated cardiomyopathy with woolly hair and keratoderma; PALMOPLANTAR KERATODERMA WITH LEFT VENTRICULAR CARDIOMYOPATHY AND WOOLLY HAIR; Carvajal syndrome; Arrhythmogenic cardiomyopathy with woolly hair and keratoderma. Identifiers: Orphanet 65282, MedGen C1854063, MONDO:0011581, OMIM 605676.
Arrhythmogenic right ventricular dysplasia 8 (ARVD8). Also called: Arrhythmogenic Right Ventricular Dysplasia/Cardiomyopathy 8; ARRHYTHMOGENIC RIGHT VENTRICULAR DYSPLASIA, FAMILIAL, 8; ARRHYTHMOGENIC RIGHT VENTRICULAR CARDIOMYOPATHY 8. Identifiers: MedGen C1843896, MONDO:0011831, OMIM 607450.
Cardiomyopathy (CMYO). Also called: Cardiomyopathies. Identifiers: Orphanet 167848, MedGen C0878544, MONDO:0004994, HP:0001638. Inheritance: Various modes of inheritance.

Allele frequency attached by ClinVar (database versions not stated): TOPMed 0.00004.

Submissions (4):

Labcorp Genetics (formerly Invitae), Labcorp
Classification: Uncertain significance for Arrhythmogenic cardiomyopathy with wooly hair and keratoderma; Arrhythmogenic right ventricular dysplasia 8. Last evaluated: 2024-03-19. Review status: criteria provided, single submitter. Criteria: Invitae Variant Classification Sherloc (09022015). Collection method: clinical testing. Allele origin: germline.
Comment: This sequence change falls in intron 18 of the DSP gene. It does not directly change the encoded amino acid sequence of the DSP protein. It affects a nucleotide within the consensus splice site. This variant is not present in population databases (gnomAD no frequency). This variant has not been reported in the literature in individuals affected with DSP-related conditions. ClinVar contains an entry for this variant (Variation ID: 1171784). Variants that disrupt the consensus splice site are a relatively common cause of aberrant splicing (PMID: 17576681, 9536098). Algorithms developed to predict the effect of sequence changes on RNA splicing suggest that this variant is not likely to affect RNA splicing. In summary, the available evidence is currently insufficient to determine the role of this variant in disease. Therefore, it has been classified as a Variant of Uncertain Significance.

Women's Health and Genetics/Laboratory Corporation of America, LabCorp
Classification: Uncertain significance. Last evaluated: 2023-12-18. Review status: criteria provided, single submitter. Criteria: LabCorp Variant Classification Summary - May 2015. Collection method: clinical testing. Allele origin: germline.

All of Us Research Program, National Institutes of Health
Classification: Likely benign for Arrhythmogenic cardiomyopathy with wooly hair and keratoderma. Last evaluated: 2023-12-13. Review status: criteria provided, single submitter. Criteria: ACMG Guidelines, 2015. Collection method: clinical testing. Allele origin: germline. Inheritance: Autosomal dominant inheritance. Observed: 1 variant allele, 1 heterozygote.
Comment: This study involves interpretation of variants in research participants for the purpose of population health screening. Participant phenotype was not available at the time of variant classification. Additional details can be found in publication PMID: 35346344, PMCID: PMC8962531

Color Diagnostics, LLC DBA Color Health
Classification: Likely benign for Cardiomyopathy. Last evaluated: 2020-12-01. Review status: criteria provided, single submitter. Criteria: ACMG Guidelines, 2015. Collection method: clinical testing. Allele origin: germline.

Literature cited by the submitters: PubMed 17576681 (cited by Labcorp Genetics (formerly Invitae), Labcorp); PubMed 9536098 (cited by Labcorp Genetics (formerly Invitae), Labcorp).